The following is an entry in ClinVar:

NM_000059.4(BRCA2):c.2661G>C (p.Glu887Asp)

Gene: BRCA2 (BRCA2 DNA repair associated; plus strand). Cytogenetic location: 13q13.1.
Variant type: single nucleotide variant.
Coding change: c.2661G>C on transcript NM_000059.4 (MANE Select); coding-DNA position 2661, G replaced by C.
Protein change: p.Glu887Asp; replaces glutamic acid 887 with aspartic acid.
Molecular consequence: missense variant.
Genome position (GRCh38, 1-based): chr13:32,337,016, G>C. VCF-style: chr13-32337016-G-C. GRCh37 (hg19) VCF-style: chr13-32911153-G-C.
Other names: short protein forms E887D.
Identifiers: ClinVar variation 409534 (VCV000409534.11), dbSNP rs876659892, ClinGen allele CA16614255.

ClinVar aggregate classification (germline): Conflicting classifications of pathogenicity. Review status: criteria provided, conflicting classifications (1 of 4 stars). 5 submissions from 5 submitters: Uncertain significance (3); Likely benign (2). Last evaluated 2025-07-31.

Conditions:
Hereditary breast ovarian cancer syndrome. Also called: Hereditary breast and ovarian cancer syndrome; Hereditary breast and/or ovarian cancer syndrome; BRCA1- and BRCA2-Associated Hereditary Breast and Ovarian Cancer; Hereditary breast and ovarian cancer syndrome (HBOC); Hereditary breast and ovarian cancer; Breast and ovarian cancer. Identifiers: Orphanet 145, MedGen C0677776, MeSH D061325, MONDO:0003582. Disease mechanism: loss of function.
Breast-ovarian cancer, familial, susceptibility to, 2 (BROVCA2). Also called: BRCA2 Hereditary Breast and Ovarian Cancer. Identifiers: Orphanet 145, MedGen C2675520, MONDO:0012933, OMIM 612555. Disease mechanism: loss of function.
Hereditary cancer-predisposing syndrome. Also called: Hereditary neoplastic syndrome; Neoplastic Syndromes, Hereditary; Tumor predisposition; Hereditary Cancer Syndrome. Identifiers: Orphanet 140162, MedGen C0027672, MeSH D009386, MONDO:0015356.

gnomAD v4.1: 5 of 1,591,640 alleles (0.00031%); highest among the groups gnomAD compares: Non-Finnish European, 0.00043%; no homozygotes.

Submissions (5):

Ambry Genetics
Classification: Uncertain significance for Hereditary cancer-predisposing syndrome. Last evaluated: 2025-07-31. Review status: criteria provided, single submitter. Criteria: Ambry Variant Classification Scheme 2023. Collection method: clinical testing. Allele origin: germline.
Comment: The p.E887D variant (also known as c.2661G>C), located in coding exon 10 of the BRCA2 gene, results from a G to C substitution at nucleotide position 2661. The glutamic acid at codon 887 is replaced by aspartic acid, an amino acid with highly similar properties. This amino acid position is not well conserved in available vertebrate species. In addition, this alteration is predicted to be tolerated by in silico analysis. Since supporting evidence is limited at this time, the clinical significance of this alteration remains unclear.

Molecular Pathology, Peter Maccallum Cancer Centre
Classification: Likely benign for Breast-ovarian cancer, familial, susceptibility to, 2. Last evaluated: 2025-05-26. Review status: criteria provided, single submitter. Criteria: ACMG Guidelines, 2015. Collection method: clinical testing. Allele origin: germline. Inheritance: Autosomal dominant inheritance.

All of Us Research Program, National Institutes of Health
Classification: Uncertain significance for Breast-ovarian cancer, familial, susceptibility to, 2. Last evaluated: 2023-05-04. Review status: criteria provided, single submitter. Criteria: ACMG Guidelines, 2015. Collection method: clinical testing. Allele origin: germline. Inheritance: Autosomal dominant inheritance. Observed: 1 variant allele, 1 heterozygote.
Comment: This missense variant replaces glutamic acid with aspartic acid at codon 887 of the BRCA2 protein. Computational prediction suggests that this variant may not impact protein structure and function (internally defined REVEL score threshold <= 0.5, PMID: 27666373). To our knowledge, functional studies have not been reported for this variant. This variant has been reported in at least one individual affected with breast cancer (PMID: 33113089). This variant has not been identified in the general population by the Genome Aggregation Database (gnomAD). The available evidence is insufficient to determine the role of this variant in disease conclusively. Therefore, this variant is classified as a Variant of Uncertain Significance.

This study involves interpretation of variants in research participants for the purpose of population health screening. Participant phenotype was not available at the time of variant classification. Additional details can be found in publication PMID: 35346344, PMCID: PMC8962531

University of Washington Department of Laboratory Medicine, University of Washington
Classification: Likely benign for Hereditary cancer-predisposing syndrome. Last evaluated: 2023-03-23. Review status: criteria provided, single submitter. Criteria: Dines et al. (Genet Med. 2020). Collection method: curation. Allele origin: germline.
Comment: Missense variant in a coldspot region where missense variants are very unlikely to be pathogenic (PMID:31911673).

BRCA2 exon 11 coldspot. Reclassification based on statistical prior probability.

Labcorp Genetics (formerly Invitae), Labcorp
Classification: Uncertain significance for Hereditary breast ovarian cancer syndrome. Last evaluated: 2022-09-10. Review status: criteria provided, single submitter. Criteria: Invitae Variant Classification Sherloc (09022015). Collection method: clinical testing. Allele origin: germline.
Comment: In summary, the available evidence is currently insufficient to determine the role of this variant in disease. Therefore, it has been classified as a Variant of Uncertain Significance. Advanced modeling of protein sequence and biophysical properties (such as structural, functional, and spatial information, amino acid conservation, physicochemical variation, residue mobility, and thermodynamic stability) performed at Invitae indicates that this missense variant is not expected to disrupt BRCA2 protein function. ClinVar contains an entry for this variant (Variation ID: 409534). This variant has not been reported in the literature in individuals affected with BRCA2-related conditions. This variant is not present in population databases (gnomAD no frequency). This sequence change replaces glutamic acid, which is acidic and polar, with aspartic acid, which is acidic and polar, at codon 887 of the BRCA2 protein (p.Glu887Asp).

Literature cited by the submitters: PubMed 33113089 (cited by All of Us Research Program, National Institutes of Health).